The following is an entry in ClinVar:

NM_003737.4(DCHS1):c.8196C>T (p.Asp2732=)

Gene: DCHS1 (dachsous cadherin-related 1; minus strand). Cytogenetic location: 11p15.4.
Variant type: single nucleotide variant.
Coding change: c.8196C>T on transcript NM_003737.4 (MANE Select); coding-DNA position 8196, C replaced by T.
Protein change: p.Asp2732=; no amino-acid change (aspartic acid 2732 retained).
Molecular consequence: synonymous variant.
Genome position (GRCh38, 1-based): chr11:6,623,480, G>A on the plus strand (C>T on the coding strand, the complement: DCHS1 is on the minus strand). VCF-style: chr11-6623480-G-A. GRCh37 (hg19) VCF-style: chr11-6644711-G-A.
Identifiers: ClinVar variation 709990 (VCV000709990.14), dbSNP rs74850790, ClinGen allele CA5859471.
Genomic context (GRCh38, chr11:6,623,480, plus strand): 5'-AGGTCCTGGCCCAGCCTCCAACAGGCTGTAACGGAGCCTCCCAAAAGCCCCAGCATCCCC[G>A]TCGATTGCATGCAGAGTGGTCACGAGAGTGCCTGGAGGCTGATTCTCGGCCACGCTGGTG-3'
Protein context (NP_003728.1, residues 2722-2742): GTLVTTLHAI[Asp2732=]GDAGAFGRLR

ClinVar aggregate classification (germline): Benign. Review status: criteria provided, multiple submitters, no conflicts (2 of 4 stars). 4 submissions from 4 submitters: Benign (3). 1 of the submissions does not count toward it. Last evaluated 2026-02-02.

Conditions:
DCHS1-related disorder. Also called: DCHS1-related condition.

Allele frequency attached by ClinVar (database versions not stated): gnomAD exomes 0.00073 and 0.00202; ExAC 0.00412; gnomAD 0.00758 and 0.00816; 1000 Genomes Project 0.00799; 1000 Genomes Project 30x 0.00859; ESP Exome Variant Server 0.00862; TOPMed 0.00939.
gnomAD v4.1: 2,286 of 1,586,338 alleles (0.14%); highest among the groups gnomAD compares: African/African-American, 2.6%; 45 homozygotes.

Submissions (4):

Labcorp Genetics (formerly Invitae), Labcorp
Classification: Benign. Last evaluated: 2026-02-02. Review status: criteria provided, single submitter. Criteria: Invitae Variant Classification Sherloc (09022015). Collection method: clinical testing. Allele origin: germline.

GeneDx
Classification: Benign. Last evaluated: 2020-07-09. Review status: criteria provided, single submitter. Criteria: GeneDx Variant Classification Process June 2021. Collection method: clinical testing. Allele origin: germline. Affected: yes.

Breakthrough Genomics
Classification: Benign. Review status: criteria provided, single submitter. Criteria: ACMG Guidelines, 2015. Collection method: not provided. Allele origin: germline. Inheritance: Autosomal recessive inheritance. Affected: yes.

PreventionGenetics, part of Exact Sciences
Classification: Benign for DCHS1-related condition. Last evaluated: 2019-05-31. Review status: no assertion criteria provided. Collection method: clinical testing. Allele origin: germline. Not counted in ClinVar's aggregate classification.
Comment: This variant is classified as benign based on ACMG/AMP sequence variant interpretation guidelines (Richards et al. 2015 PMID: 25741868, with internal and published modifications).